The following is an entry in ClinVar:

NM_006206.6(PDGFRA):c.1103A>C (p.Glu368Ala)

Gene: PDGFRA (platelet derived growth factor receptor alpha; plus strand). Cytogenetic location: 4q12.
Variant type: single nucleotide variant.
Coding change: c.1103A>C on transcript NM_006206.6 (MANE Select); coding-DNA position 1103, A replaced by C.
Protein change: p.Glu368Ala; replaces glutamic acid 368 with alanine.
Molecular consequence: missense variant.
Genome position (GRCh38, 1-based): chr4:54,267,723, A>C. VCF-style: chr4-54267723-A-C. GRCh37 (hg19) VCF-style: chr4-55133890-A-C.
Other names: c.1103A>C, p.Glu368Ala (NM_001347827.2, NM_001347829.2); c.1178A>C, p.Glu393Ala (NM_001347828.2); c.1142A>C, p.Glu381Ala (NM_001347830.2); short protein forms E381A, E393A, E368A.
Identifiers: ClinVar variation 3930197 (VCV003930197.1).

ClinVar aggregate classification (germline): Uncertain significance (1 of 4 stars; one submission).

Conditions:
Hereditary cancer-predisposing syndrome. Also called: Tumor predisposition; Hereditary neoplastic syndrome; Hereditary Cancer Syndrome; Neoplastic Syndromes, Hereditary. Identifiers: Orphanet 140162, MedGen C0027672, MeSH D009386, MONDO:0015356.

Submission:

Ambry Genetics
Classification: Uncertain significance for Hereditary cancer-predisposing syndrome. Last evaluated: 2025-03-30. Review status: criteria provided, single submitter. Criteria: Ambry Variant Classification Scheme 2023. Collection method: clinical testing. Allele origin: germline.
Comment: The p.E368A variant (also known as c.1103A>C), located in coding exon 6 of the PDGFRA gene, results from an A to C substitution at nucleotide position 1103. The glutamic acid at codon 368 is replaced by alanine, an amino acid with dissimilar properties. This amino acid position is conserved. In addition, this alteration is predicted to be tolerated by in silico analysis. Based on the available evidence, the clinical significance of this variant remains unclear.